The following is an entry in ClinVar:

NM_020631.6(PLEKHG5):c.12T>C (p.Asp4=)

Genes: PLEKHG5 (pleckstrin homology and RhoGEF domain containing G5; minus strand), LOC126805598 (MED14-independent group 3 enhancer GRCh37_chr1:6536823-6538022; plus strand). Cytogenetic location: 1p36.31.
Variant type: single nucleotide variant.
Coding change: c.12T>C on transcript NM_020631.6 (MANE Select); coding-DNA position 12, T replaced by C.
Protein change: p.Asp4=; no amino-acid change (aspartic acid 4 retained).
Molecular consequence: synonymous variant.
Genome position (GRCh38, 1-based): chr1:6,477,560, A>G on the plus strand (T>C on the coding strand, the complement: PLEKHG5 is on the minus strand). VCF-style: chr1-6477560-A-G. GRCh37 (hg19) VCF-style: chr1-6537620-A-G.
Other names: c.123T>C, p.Asp41= (NM_001042663.3, NM_001265592.2); c.12T>C, p.Asp4= (NM_001042664.2, NM_001042665.2, NM_001265594.3 and 1 more transcripts); c.219T>C, p.Asp73= (NM_001265593.2).
Identifiers: ClinVar variation 668447 (VCV000668447.10), dbSNP rs772435791, ClinGen allele CA562048.
Genomic context (GRCh38, chr1:6,477,560, plus strand): 5'-GCCGAGCTGCGGCTCCCGCCTGTGCTCACCTTGTGGGGGAAGGTCGAAGCGGACATGCCC[A>G]TCATAATGCATGGTGCTGTGGAACTTGCTGTCACAGGCCTCGCAGAGGTTGAGGGGCCCC-3'
Protein context (NP_065682.2, residues 1-14): MHY[Asp4=]GHVRFDLPPQ

ClinVar aggregate classification (germline): Likely benign. Review status: criteria provided, multiple submitters, no conflicts (2 of 4 stars). 3 submissions from 3 submitters: Likely benign (3). Last evaluated 2025-11-26.

Conditions:
PLEKHG5-related disorder. Also called: PLEKHG5-related condition.
Charcot-Marie-Tooth disease recessive intermediate C. Also called: CHARCOT-MARIE-TOOTH NEUROPATHY, RECESSIVE INTERMEDIATE C. Identifiers: Orphanet 369867, MedGen C3809309, MONDO:0014154, OMIM 615376.
Neuronopathy, distal hereditary motor, autosomal recessive 4. Also called: NEUROPATHY, DISTAL HEREDITARY MOTOR, AUTOSOMAL RECESSIVE 4; Autosomal recessive lower motor neuron disease with childhood onset. Identifiers: Orphanet 206580, MedGen C1970211, MONDO:0012608, OMIM 611067.

Allele frequency attached by ClinVar (database versions not stated): gnomAD exomes below 0.00001 and 0.00001; TOPMed below 0.00001; ExAC 0.00001; gnomAD 0.00001.
gnomAD v4.1: 11 of 1,612,580 alleles (0.00068%); highest among the groups gnomAD compares: Admixed American, 0.0017%; no homozygotes.

Submissions (3):

PreventionGenetics, part of Exact Sciences
Classification: Likely benign for PLEKHG5-related condition. Last evaluated: 2025-11-26. Review status: criteria provided, single submitter. Criteria: ACMG Guidelines, 2015. Collection method: clinical testing. Allele origin: germline.
Comment: This variant is classified as likely benign based on ACMG/AMP sequence variant interpretation guidelines (Richards et al. 2015 PMID: 25741868, with internal and published modifications).

Labcorp Genetics (formerly Invitae), Labcorp
Classification: Likely benign for Neuronopathy, distal hereditary motor, autosomal recessive 4; Charcot-Marie-Tooth disease recessive intermediate C. Last evaluated: 2024-04-02. Review status: criteria provided, single submitter. Criteria: Invitae Variant Classification Sherloc (09022015). Collection method: clinical testing. Allele origin: germline.

GeneDx
Classification: Likely benign. Last evaluated: 2018-05-15. Review status: criteria provided, single submitter. Criteria: GeneDx Variant Classification (06012015). Collection method: clinical testing. Allele origin: germline. Affected: yes.
Comment: This variant is considered likely benign or benign based on one or more of the following criteria: it is a conservative change, it occurs at a poorly conserved position in the protein, it is predicted to be benign by multiple in silico algorithms, and/or has population frequency not consistent with disease.